The following is an entry in ClinVar:

NM_004370.6(COL12A1):c.3308T>C (p.Phe1103Ser)

Gene: COL12A1 (collagen type XII alpha 1 chain; minus strand). Cytogenetic location: 6q13.
Variant type: single nucleotide variant.
Coding change: c.3308T>C on transcript NM_004370.6 (MANE Select); coding-DNA position 3308, T replaced by C.
Protein change: p.Phe1103Ser; replaces phenylalanine 1103 with serine.
Molecular consequence: missense variant. On other transcripts: intron variant (2).
Genome position (GRCh38, 1-based): chr6:75,155,797, A>G on the plus strand (T>C on the coding strand, the complement: COL12A1 is on the minus strand). VCF-style: chr6-75155797-A-G. GRCh37 (hg19) VCF-style: chr6-75865513-A-G.
Other names: c.3308T>C, p.Phe1103Ser (NM_001424113.1, NM_001424114.1); c.3035T>C, p.Phe1012Ser (NM_001424115.1); c.74-3315T>C (NM_001424116.1, NM_080645.3); short protein forms F1012S, F1103S.
Identifiers: ClinVar variation 3757333 (VCV003757333.2).

ClinVar aggregate classification (germline): Uncertain significance (1 of 4 stars; one submission).

Conditions:
Ullrich congenital muscular dystrophy 2 (UCMD2). Identifiers: Orphanet 75840, MedGen C4225314, MONDO:0014654, OMIM 616470.
Bethlem myopathy 2 (BTHLM2). Identifiers: Orphanet 536516, Orphanet 610, MedGen C4225313, MONDO:0034022, OMIM 616471.

Submission:

Labcorp Genetics (formerly Invitae), Labcorp
Classification: Uncertain significance for Bethlem myopathy 2; Ullrich congenital muscular dystrophy 2. Last evaluated: 2024-07-22. Review status: criteria provided, single submitter. Criteria: Invitae Variant Classification Sherloc (09022015). Collection method: clinical testing. Allele origin: germline.
Comment: This sequence change replaces phenylalanine, which is neutral and non-polar, with serine, which is neutral and polar, at codon 1103 of the COL12A1 protein (p.Phe1103Ser). This variant is not present in population databases (gnomAD no frequency). This variant has not been reported in the literature in individuals affected with COL12A1-related conditions. Advanced modeling of protein sequence and biophysical properties (such as structural, functional, and spatial information, amino acid conservation, physicochemical variation, residue mobility, and thermodynamic stability) performed at Invitae indicates that this missense variant is expected to disrupt COL12A1 protein function with a positive predictive value of 80%. In summary, the available evidence is currently insufficient to determine the role of this variant in disease. Therefore, it has been classified as a Variant of Uncertain Significance.